The following is an entry in ClinVar:

NM_000400.4(ERCC2):c.1888_1889del (p.Ser630fs)

Gene: ERCC2 (ERCC excision repair 2, TFIIH core complex helicase subunit; minus strand). Cytogenetic location: 19q13.32.
Variant type: Microsatellite.
Coding change: c.1888_1889del on transcript NM_000400.4 (MANE Select); coding-DNA positions 1888 to 1889, 2 bases deleted (AG; older notation c.1888_1889delAG).
Protein change: p.Ser630fs; shifts the reading frame from serine 630.
Molecular consequence: frameshift variant.
Genome position (GRCh38, 1-based): chr19:45,352,759-45,352,760, CT deleted on the plus strand (AG on the coding strand, the reverse complement: ERCC2 is on the minus strand); deleting any 2 consecutive bases within chr19:45,352,759-45,352,762 gives the same sequence; the c. name uses the placement nearest the transcript's 3' end. VCF-style (leftmost placement, unchanged base first): chr19-45352758-GCT-G. GRCh37 (hg19) VCF-style: chr19-45856016-GCT-G.
Other names: short protein forms S630fs.
Identifiers: ClinVar variation 2865218 (VCV002865218.5), dbSNP rs749200615, ClinGen allele CA308951272.
Genomic context (GRCh38, chr19:45,352,758, plus strand): 5'-CCCTTGATCCTAACACTGTGGGACTCCCTGGGAGACAGAGCTACTCACCTTGAGAATGCG[GCT>G]CTGTGTGTAGACGTAGGGGACGCCAAACATGATGACGGCCCGCCCGTAGTGGTGCACTGG-3'

ClinVar aggregate classification (germline): Pathogenic/Likely pathogenic. Review status: criteria provided, multiple submitters, no conflicts (2 of 4 stars). 3 submissions from 3 submitters: Pathogenic (2); Likely pathogenic (1). Last evaluated 2025-01-20.

Conditions:
Cerebrooculofacioskeletal syndrome 2 (COFS2). Identifiers: MedGen C1853102, MONDO:0012553, OMIM 610756.
ERCC2-related disorder. Also called: ERCC2-related disorders; ERCC2-related conditions; ERCC2-related condition. Identifiers: MedGen CN239291.

Submissions (3):

Myriad Genetics, Inc.
Classification: Pathogenic for ERCC2-related disorder. Last evaluated: 2025-01-20. Review status: criteria provided, single submitter. Criteria: Myriad Autosomal Dominant, Autosomal Recessive and X-Linked Classification Criteria (2023). Collection method: clinical testing. Allele origin: unknown.
Comment: NM_000400.3(ERCC2):c.1888_1889delAG(S630Pfs*18) is expected to be pathogenic in the context of ERCC2-related disorders. This variant is predicted to lead to an abnormal or absent protein product due to the creation of a premature termination codon in ERCC2, a gene where loss-of-function variants are known to be pathogenic. Please note: this variant was assessed in the context of healthy population screening.

Baylor Genetics
Classification: Likely pathogenic for Cerebrooculofacioskeletal syndrome 2. Last evaluated: 2024-02-25. Review status: criteria provided, single submitter. Criteria: ACMG Guidelines, 2015. Collection method: clinical testing. Allele origin: unknown.

Labcorp Genetics (formerly Invitae), Labcorp
Classification: Pathogenic. Last evaluated: 2023-10-26. Review status: criteria provided, single submitter. Criteria: Invitae Variant Classification Sherloc (09022015). Collection method: clinical testing. Allele origin: germline.
Comment: This sequence change creates a premature translational stop signal (p.Ser630Profs*18) in the ERCC2 gene. It is expected to result in an absent or disrupted protein product. Loss-of-function variants in ERCC2 are known to be pathogenic (PMID: 9238033, 11335038, 19085937, 19934020). This variant is present in population databases (rs749200615, gnomAD 0.003%). This variant has not been reported in the literature in individuals affected with ERCC2-related conditions. For these reasons, this variant has been classified as Pathogenic.

Literature cited by the submitters: PubMed 9238033 (cited by Labcorp Genetics (formerly Invitae), Labcorp); PubMed 11335038 (cited by Labcorp Genetics (formerly Invitae), Labcorp); PubMed 19085937 (cited by Labcorp Genetics (formerly Invitae), Labcorp); PubMed 19934020 (cited by Labcorp Genetics (formerly Invitae), Labcorp).